The following is an entry in ClinVar:

ClinVar aggregate classification (germline): Conflicting classifications of pathogenicity. Review status: criteria provided, conflicting classifications (1 of 4 stars). 3 submissions from 3 submitters: Likely pathogenic (1); Uncertain significance (1). 1 of the submissions does not count toward it. Last evaluated 2024-09-20.

Conditions:
HEMOGLOBIN G (GEORGIA).

Submissions (3):

Women's Health and Genetics/Laboratory Corporation of America, LabCorp
Classification: Uncertain significance. Last evaluated: 2024-09-20. Review status: criteria provided, single submitter. Criteria: LabCorp Variant Classification Summary - May 2015. Collection method: clinical testing. Allele origin: germline.
Comment: Variant summary: HBA1 c.287C>T (p.Pro96Leu; aka Hb Georgia) results in a non-conservative amino acid change in the encoded protein sequence. Four of four in-silico tools predict a damaging effect of the variant on protein function. The variant allele was found at a frequency of 6.4e-07 in 1560800 control chromosomes in the gnomAD database (v4.1 dataset). A variant, described as c.287C>T in the alpha-globin gene (the gene, i.e. HBA1 or HBA2, was not specified), has been reported in the literature in an individual affected with hemolytic anemia, however a co-occurring (potentially pathogenic) HBB variant could explain the phenotype (Medri_2022), moreover, a family member, who carried the variant in isolation didn't show signs of hemolysis. The IthaNet database reports the variant c.287C>T in both the HBA1 and HBA2 genes as Benign / Likely Benign (IthaIDs: 3718,683). To our knowledge, no experimental evidence demonstrating an impact on HBA1 protein function has been reported; however, the c.287C>T variant in HBA2 has been reported to result in increased oxygen affinity (PMID 5012316), but no effect on mRNA synthesis (PMID 8745431). The following publication have been ascertained in the context of this evaluation (PMID: 35397565). ClinVar contains an entry for this variant (Variation ID: 15730). Based on the evidence outlined above, the variant was classified as VUS-possibly benign.

ARUP Laboratories, Molecular Genetics and Genomics, ARUP Laboratories
Classification: Likely pathogenic. Last evaluated: 2017-01-13. Review status: criteria provided, single submitter. Criteria: ARUP Molecular Germline Variant Investigation Process. Collection method: clinical testing. Allele origin: germline.

OMIM
Classification: other for HEMOGLOBIN G (GEORGIA). Last evaluated: 2016-07-20. Review status: no assertion criteria provided. Collection method: literature only. Allele origin: germline. Not counted in ClinVar's aggregate classification.

Literature cited by the submitters: PubMed 35397565 (cited by Women's Health and Genetics/Laboratory Corporation of America, LabCorp); PubMed 5436649 (cited by OMIM).

NM_000558.3(HBA1):c.287C>T (p.Pro96Leu)

Genes: HBA1 (hemoglobin subunit alpha 1; plus strand), LOC106804613 (hemoglobin subunit alpha 1 recombination region; plus strand). Cytogenetic location: 16p13.3.
Variant type: single nucleotide variant.
Coding change: c.287C>T on transcript NM_000558.3; coding-DNA position 287, C replaced by T.
Protein change: p.Pro96Leu; replaces proline 96 with leucine.
Molecular consequence: missense variant (on NM_000558.5).
Genome position (GRCh38, 1-based): chr16:177,120, C>T. VCF-style: chr16-177120-C-T. GRCh37 (hg19) VCF-style: chr16-227119-C-T.
Other names: P95L; c.287C>T, p.Pro96Leu (NM_000558.5); short protein forms P96L.
Identifiers: ClinVar variation 15730 (VCV000015730.10), dbSNP rs33931314, ClinGen allele CA125731.
Genomic context (GRCh38, chr16:177,120, plus strand): 5'-ACATGCCCAACGCGCTGTCCGCCCTGAGCGACCTGCACGCGCACAAGCTTCGGGTGGACC[C>T]GGTCAACTTCAAGGTGAGCGGCGGGCCGGGAGCGATCTGGGTCGAGGGGCGAGATGGCGC-3'
Protein context (NP_000549.1, residues 86-106): DLHAHKLRVD[Pro96Leu]VNFKLLSHCL